The following is an entry in ClinVar:

ClinVar aggregate classification (germline): Likely benign (1 of 4 stars; one submission).

gnomAD v4.1: 1 of 1,614,200 alleles (0.000062%); highest among the groups gnomAD compares: East Asian, 0.0022%; no homozygotes.

Submission:

Mayo Clinic Laboratories, Mayo Clinic
Classification: Likely benign. Last evaluated: 2025-09-22. Review status: criteria provided, single submitter. Criteria: ACMG Guidelines, 2015. Collection method: clinical testing. Allele origin: germline. Observed: 1 variant allele.
Comment: BP4, BP7

NM_203447.4(DOCK8):c.957C>T (p.His319=)

Gene: DOCK8 (dedicator of cytokinesis 8; plus strand). Cytogenetic location: 9p24.3.
Variant type: single nucleotide variant.
Coding change: c.957C>T on transcript NM_203447.4 (MANE Select); coding-DNA position 957, C replaced by T.
Protein change: p.His319=; no amino-acid change (histidine 319 retained).
Molecular consequence: synonymous variant.
Genome position (GRCh38, 1-based): chr9:328,084, C>T. VCF-style: chr9-328084-C-T. GRCh37 (hg19) VCF-style: chr9-328084-C-T.
Other names: p.His319=; c.753C>T, p.His251= (NM_001190458.2, NM_001193536.2).
Identifiers: ClinVar variation 4683369 (VCV004683369.1).